The following is an entry in ClinVar:

ClinVar aggregate classification (germline): Uncertain significance (1 of 4 stars; one submission).

Allele frequency attached by ClinVar (database versions not stated): gnomAD exomes 0.00001 and 0.00002; TOPMed 0.00001; ExAC 0.00003.
gnomAD v4.1: 20 of 1,612,428 alleles (0.0012%); highest among the groups gnomAD compares: Admixed American, 0.0033%; no homozygotes.

Submission:

Labcorp Genetics (formerly Invitae), Labcorp
Classification: Uncertain significance. Last evaluated: 2022-05-31. Review status: criteria provided, single submitter. Criteria: Invitae Variant Classification Sherloc (09022015). Collection method: clinical testing. Allele origin: germline.
Comment: Algorithms developed to predict the effect of missense changes on protein structure and function are either unavailable or do not agree on the potential impact of this missense change (SIFT: "Tolerated"; PolyPhen-2: "Possibly Damaging"; Align-GVGD: "Class C0"). This sequence change replaces serine, which is neutral and polar, with leucine, which is neutral and non-polar, at codon 41 of the SLC22A12 protein (p.Ser41Leu). This variant is present in population databases (rs755091597, gnomAD 0.004%). This variant has not been reported in the literature in individuals affected with SLC22A12-related conditions. ClinVar contains an entry for this variant (Variation ID: 943188). In summary, the available evidence is currently insufficient to determine the role of this variant in disease. Therefore, it has been classified as a Variant of Uncertain Significance.

NM_144585.4(SLC22A12):c.122C>T (p.Ser41Leu)

Gene: SLC22A12 (solute carrier family 22 member 12; plus strand). Cytogenetic location: 11q13.1.
Variant type: single nucleotide variant.
Coding change: c.122C>T on transcript NM_144585.4 (MANE Select); coding-DNA position 122, C replaced by T.
Protein change: p.Ser41Leu; replaces serine 41 with leucine.
Molecular consequence: missense variant. On other transcripts: 5 prime UTR variant (1).
Genome position (GRCh38, 1-based): chr11:64,591,678, C>T. VCF-style: chr11-64591678-C-T. GRCh37 (hg19) VCF-style: chr11-64359150-C-T.
Other names: c.122C>T, p.Ser41Leu (NM_001276326.2, NM_001276327.2); c.-387C>T (NM_153378.3); short protein forms S41L.
Identifiers: ClinVar variation 943188 (VCV000943188.9), dbSNP rs755091597, ClinGen allele CA6076979.